The following is an entry in ClinVar:

ClinVar aggregate classification (germline): Uncertain significance (1 of 4 stars; one submission).

Conditions:
Amyotrophic lateral sclerosis type 6. Also called: FUS-Related Amyotrophic Laterial Sclerosis; AMYOTROPHIC LATERAL SCLEROSIS 6 WITHOUT FRONTOTEMPORAL DEMENTIA; Amyotrophic lateral sclerosis 6, with or without frontotemporal dementia. Identifiers: Orphanet 275872, Orphanet 803, MedGen C2931786, MONDO:0011951, OMIM 608030.
Tremor, hereditary essential, 4 (ETM4). Identifiers: MedGen C3539195, MONDO:0013888, OMIM 614782.

Submission:

Labcorp Genetics (formerly Invitae), Labcorp
Classification: Uncertain significance for Tremor, hereditary essential, 4; Amyotrophic lateral sclerosis type 6. Last evaluated: 2025-08-30. Review status: criteria provided, single submitter. Criteria: Invitae Variant Classification Sherloc (09022015). Collection method: clinical testing. Allele origin: germline.
Comment: This sequence change replaces aspartic acid, which is acidic and polar, with asparagine, which is neutral and polar, at codon 303 of the FUS protein (p.Asp303Asn). This variant is not present in population databases (gnomAD no frequency). This variant has not been reported in the literature in individuals affected with FUS-related conditions. An algorithm developed to predict the effect of missense changes on protein structure and function (PolyPhen-2) suggests that this variant is likely to be tolerated. Algorithms developed to predict the effect of sequence changes on RNA splicing suggest that this variant may disrupt the consensus splice site. In summary, the available evidence is currently insufficient to determine the role of this variant in disease. Therefore, it has been classified as a Variant of Uncertain Significance.

NM_004960.4(FUS):c.907G>A (p.Asp303Asn)

Gene: FUS (FUS RNA binding protein; plus strand). Cytogenetic location: 16p11.2.
Variant type: single nucleotide variant.
Coding change: c.907G>A on transcript NM_004960.4 (MANE Select); coding-DNA position 907, G replaced by A.
Protein change: p.Asp303Asn; replaces aspartic acid 303 with asparagine.
Molecular consequence: missense variant. On other transcripts: non-coding transcript variant (1).
Genome position (GRCh38, 1-based): chr16:31,189,197, G>A. VCF-style: chr16-31189197-G-A. GRCh37 (hg19) VCF-style: chr16-31200518-G-A.
Other names: c.904G>A, p.Asp302Asn (NM_001170634.1); c.895G>A, p.Asp299Asn (NM_001170937.1); short protein forms D299N, D302N, D303N.
Identifiers: ClinVar variation 4788149 (VCV004788149.1).
Genomic context (GRCh38, chr16:31,189,197, plus strand): 5'-GACAACAACACCATCTTTGTGCAAGGCCTGGGTGAGAATGTTACAATTGAGTCTGTGGCT[G>A]ATTACTTCAAGCAGATTGGTATTATTAAGGTACTTGTGGAGAGGAGTGGGAGCTTTCTGT-3'
Protein context (NP_004951.1, residues 293-313): GENVTIESVA[Asp303Asn]YFKQIGIIKT